The following is an entry in ClinVar:

ClinVar aggregate classification (germline): Uncertain significance. Review status: criteria provided, multiple submitters, no conflicts (2 of 4 stars). 3 submissions from 3 submitters: Uncertain significance (3). Last evaluated 2025-02-06.

Conditions:
COCH-related disorder. Also called: COCH-related condition.
Inborn genetic diseases. Identifiers: MedGen C0950123, MeSH D030342.

Submissions (3):

PreventionGenetics, part of Exact Sciences
Classification: Uncertain significance for COCH-related condition. Last evaluated: 2025-02-06. Review status: criteria provided, single submitter. Criteria: ACMG Guidelines, 2015. Collection method: clinical testing. Allele origin: germline.
Comment: The COCH c.163C>T variant is predicted to result in the amino acid substitution p.Pro55Ser. This variant was reported in an individual with unilateral mild to moderate hearing loss and causality was by the authors concluded as inconclusive (Table S1, Perry et al. 2022. PubMed ID: 36515421). This variant is reported in 0.00088% of alleles in individuals of European (Non-Finnish) descent in gnomAD. At this time, the clinical significance of this variant is uncertain due to the absence of conclusive functional and genetic evidence.

Labcorp Genetics (formerly Invitae), Labcorp
Classification: Uncertain significance. Last evaluated: 2024-11-21. Review status: criteria provided, single submitter. Criteria: Invitae Variant Classification Sherloc (09022015). Collection method: clinical testing. Allele origin: germline.
Comment: This sequence change replaces proline, which is neutral and non-polar, with serine, which is neutral and polar, at codon 55 of the COCH protein (p.Pro55Ser). This variant is present in population databases (no rsID available, gnomAD 0.0009%). This missense change has been observed in individual(s) with deafness (PMID: 36515421). Invitae Evidence Modeling of protein sequence and biophysical properties (such as structural, functional, and spatial information, amino acid conservation, physicochemical variation, residue mobility, and thermodynamic stability) indicates that this missense variant is not expected to disrupt COCH protein function with a negative predictive value of 95%. In summary, the available evidence is currently insufficient to determine the role of this variant in disease. Therefore, it has been classified as a Variant of Uncertain Significance.

Ambry Genetics
Classification: Uncertain significance for Inborn genetic diseases. Last evaluated: 2024-05-30. Review status: criteria provided, single submitter. Criteria: Ambry Variant Classification Scheme 2023. Collection method: clinical testing. Allele origin: germline.

Literature cited by the submitters: PubMed 36515421 (cited by Labcorp Genetics (formerly Invitae), Labcorp).

NM_004086.3(COCH):c.163C>T (p.Pro55Ser)

Genes: COCH (cochlin; plus strand), COCH-AS1 (COCH antisense RNA 1; minus strand). Cytogenetic location: 14q12.
Variant type: single nucleotide variant.
Coding change: c.163C>T on transcript NM_004086.3 (MANE Select); coding-DNA position 163, C replaced by T.
Protein change: p.Pro55Ser; replaces proline 55 with serine.
Molecular consequence: missense variant.
Genome position (GRCh38, 1-based): chr14:30,877,652, C>T. VCF-style: chr14-30877652-C-T. GRCh37 (hg19) VCF-style: chr14-31346858-C-T.
Other names: c.163C>T (NM_001135058.1); c.163C>T, p.Pro55Ser (NM_001135058.2); c.358C>T, p.Pro120Ser (NM_001347720.2); short protein forms P120S, P55S.
Identifiers: ClinVar variation 3268447 (VCV003268447.4).
Genomic context (GRCh38, chr14:30,877,652, plus strand): 5'-TTTACCAGAGGCTTGGACATCAGGAAAGAGAAAGCAGATGTCCTCTGCCCAGGGGGCTGC[C>T]CTCTTGAGGAATTCTCTGTGTATGGGAACATAGTATATGCTTCTGTATCGAGCATATGTG-3'
Protein context (NP_004077.1, residues 45-65): KADVLCPGGC[Pro55Ser]LEEFSVYGNI